The following is an entry in ClinVar:

ClinVar aggregate classification (germline): Benign/Likely benign. Review status: criteria provided, multiple submitters, no conflicts (2 of 4 stars). 10 submissions from 9 submitters: Benign (9); Likely benign (1). Last evaluated 2026-02-04.

Conditions:
Aicardi-Goutieres syndrome 6 (AGS6). Identifiers: Orphanet 51, MedGen C3539013, MONDO:0014007, OMIM 615010.
Symmetrical dyschromatosis of extremities (DSH). Also called: Dyschromatosis symmetrica hereditaria; DYSCHROMATOSIS SYMMETRICA HEREDITARIA 1; RETICULATE ACROPIGMENTATION OF DOHI; SYMMETRIC DYSCHROMATOSIS OF THE EXTREMITIES. Identifiers: Orphanet 41, MedGen C0406775, MONDO:0007483, OMIM 127400.

Allele frequency attached by ClinVar (database versions not stated): TOPMed 0.99532; 1000 Genomes Project 30x 0.99563; ESP Exome Variant Server 0.99569; gnomAD 0.99604 and 0.99626; 1000 Genomes Project 0.99621; ExAC 0.99876; gnomAD exomes 0.99886.
gnomAD v4.1: 1,608,600 of 1,609,886 alleles (100%); highest among the groups gnomAD compares: East Asian, 100%; 803,673 homozygotes.

Submissions (10):

Labcorp Genetics (formerly Invitae), Labcorp
Classification: Benign for Aicardi-Goutieres syndrome 6; Symmetrical dyschromatosis of extremities. Last evaluated: 2026-02-04. Review status: criteria provided, single submitter. Criteria: Invitae Variant Classification Sherloc (09022015). Collection method: clinical testing. Allele origin: germline.

Women's Health and Genetics/Laboratory Corporation of America, LabCorp
Classification: Benign. Last evaluated: 2026-01-21. Review status: criteria provided, single submitter. Criteria: LabCorp Variant Classification Summary - May 2015. Collection method: clinical testing. Allele origin: germline.

Mayo Clinic Laboratories, Mayo Clinic
Classification: Benign. Last evaluated: 2025-10-15. Review status: criteria provided, single submitter. Criteria: ACMG Guidelines, 2015. Collection method: clinical testing. Allele origin: germline. Observed: 449 variant alleles.
Comment: BA1, BP4_strong

Blueprint Genetics
Classification: Likely benign. Last evaluated: 2024-11-26. Review status: criteria provided, single submitter. Criteria: ACMG Guidelines, 2015. Collection method: clinical testing. Allele origin: germline.

Unidad de Genómica Garrahan, Hospital de Pediatría Garrahan
Classification: Benign. Last evaluated: 2023-11-02. Review status: criteria provided, single submitter. Criteria: ACMG Guidelines, 2015. Collection method: clinical testing. Allele origin: germline. Affected: no. Observed: 96 variant alleles.
Comment: This variant is classified as Benign based on local population frequency. This variant was detected in 100% of patients studied by a panel of primary immunodeficiencies. Number of patients: 96. Only high quality variants are reported.

Genome-Nilou Lab
Classification: Benign for Aicardi-Goutieres syndrome 6. Last evaluated: 2021-07-14. Review status: criteria provided, single submitter. Criteria: ACMG Guidelines, 2015. Collection method: clinical testing. Allele origin: germline. Affected: no.

Genome-Nilou Lab
Classification: Benign for Symmetrical dyschromatosis of extremities. Last evaluated: 2021-07-14. Review status: criteria provided, single submitter. Criteria: ACMG Guidelines, 2015. Collection method: clinical testing. Allele origin: germline. Affected: no.

Fulgent Genetics
Classification: Benign for Symmetrical dyschromatosis of extremities; Aicardi-Goutieres syndrome 6. Last evaluated: 2021-07-08. Review status: criteria provided, single submitter. Criteria: ACMG Guidelines, 2015. Collection method: clinical testing. Allele origin: unknown.

Eurofins Ntd Llc (ga)
Classification: Benign. Last evaluated: 2017-02-07. Review status: criteria provided, single submitter. Criteria: EGL Classification Definitions 2015. Collection method: clinical testing. Allele origin: germline. Observed: 2 variant alleles, 2 homozygotes.

Breakthrough Genomics
Classification: Benign. Review status: criteria provided, single submitter. Criteria: ACMG Guidelines, 2015. Collection method: not provided. Allele origin: germline. Inheritance: Autosomal recessive inheritance. Affected: yes.

NM_001111.5(ADAR):c.298A>G (p.Arg100Gly)

Gene: ADAR (adenosine deaminase RNA specific; minus strand). Cytogenetic location: 1q21.3.
Variant type: single nucleotide variant.
Coding change: c.298A>G on transcript NM_001111.5 (MANE Select); coding-DNA position 298, A replaced by G.
Protein change: p.Arg100Gly; replaces arginine 100 with glycine.
Molecular consequence: missense variant. On other transcripts: 5 prime UTR variant (3), intron variant (3).
Genome position (GRCh38, 1-based): chr1:154,602,344, T>C on the plus strand (A>G on the coding strand, the complement: ADAR is on the minus strand). VCF-style: chr1-154602344-T-C. GRCh37 (hg19) VCF-style: chr1-154574820-T-C.
Other names: p.Arg100Gly; c.298A>G, p.Arg100Gly (LRG_1212t1, NM_015840.4, NM_015841.4); c.-588A>G (NM_001025107.3, NM_001193495.2, NM_001365048.1); c.325A>G, p.Arg109Gly (NM_001365045.1); c.-493+41A>G (NM_001365046.1, NM_001365049.1, NM_001365047.1); short protein forms R100G, R109G.
Identifiers: ClinVar variation 500335 (VCV000500335.22), dbSNP rs1466731, ClinGen allele CA1131722.